The following is an entry in ClinVar:

NM_001079802.2(FKTN):c.1372_1373dup (p.Gln459fs)

Gene: FKTN (fukutin; plus strand). Cytogenetic location: 9q31.2.
Variant type: Duplication.
Coding change: c.1372_1373dup on transcript NM_001079802.2 (MANE Select); coding-DNA positions 1372 to 1373, 2 bases duplicated (AT; older notation c.1372_1373dupAT).
Protein change: p.Gln459fs; shifts the reading frame from glutamine 459.
Molecular consequence: frameshift variant. On other transcripts: 3 prime UTR variant (1), non-coding transcript variant (2), intron variant (1).
Genome position (GRCh38, 1-based): chr9:105,635,250-105,635,251, AT duplicated; duplicating any 2 consecutive bases within chr9:105,635,249-105,635,251 gives the same sequence; the c. name uses the placement nearest the transcript's 3' end. VCF-style (leftmost placement, unchanged base first): chr9-105635248-T-TTA. GRCh37 (hg19) VCF-style: chr9-108397529-T-TTA.
Other names: c.1372_1373dup, p.Gln459fs (NM_001351496.2, NM_006731.2); c.1303_1304dup, p.Gln436fs (NM_001351497.2); c.*164_*165dup (NM_001351498.2); c.976_977dup, p.Gln327fs (NM_001351499.2, NM_001351500.2, NM_001351501.2 and 1 more transcripts); c.1270+102_1270+103dup (NM_001198963.2); short protein forms Q327fs, Q459fs, Q436fs.
Identifiers: ClinVar variation 2087846 (VCV002087846.1), dbSNP rs2539944654, ClinGen allele CA2580079422.

ClinVar aggregate classification (germline): Uncertain significance (1 of 4 stars; one submission).

Conditions:
Walker-Warburg congenital muscular dystrophy. Also called: Muscular dystrophy-dystroglycanopathy, type A; Walker-Warburg syndrome. Identifiers: Orphanet 899, MedGen C0265221, MONDO:0000171.

Submission:

Labcorp Genetics (formerly Invitae), Labcorp
Classification: Uncertain significance for Walker-Warburg congenital muscular dystrophy. Last evaluated: 2022-01-19. Review status: criteria provided, single submitter. Criteria: Invitae Variant Classification Sherloc (09022015). Collection method: clinical testing. Allele origin: germline.
Comment: This sequence change results in a frameshift in the FKTN gene (p.Gln459Serfs*9). While this is not anticipated to result in nonsense mediated decay, it is expected to disrupt the last 3 amino acid(s) of the FKTN protein and extend the protein by 5 additional amino acid residues. This variant is not present in population databases (gnomAD no frequency). This variant has not been reported in the literature in individuals affected with FKTN-related conditions. Experimental studies and prediction algorithms are not available or were not evaluated, and the functional significance of this variant is currently unknown. In summary, the available evidence is currently insufficient to determine the role of this variant in disease. Therefore, it has been classified as a Variant of Uncertain Significance.